The following is an entry in ClinVar:

ClinVar aggregate classification (germline): Uncertain significance (1 of 4 stars; one submission).

Conditions:
Hereditary cancer-predisposing syndrome. Also called: Hereditary neoplastic syndrome; Neoplastic Syndromes, Hereditary; Tumor predisposition; Hereditary Cancer Syndrome. Identifiers: Orphanet 140162, MedGen C0027672, MeSH D009386, MONDO:0015356.

Submission:

Ambry Genetics
Classification: Uncertain significance for Hereditary cancer-predisposing syndrome. Last evaluated: 2025-03-05. Review status: criteria provided, single submitter. Criteria: Ambry Variant Classification Scheme 2023. Collection method: clinical testing. Allele origin: germline.
Comment: The c.783+4G>C intronic variant results from a G to C substitution 4 nucleotides after coding exon 9 in the BAP1 gene. This nucleotide position is not well conserved in available vertebrate species. In silico splice site analysis predicts that this alteration will not have any significant effect on splicing. Based on the available evidence, the clinical significance of this variant remains unclear.

NM_004656.4(BAP1):c.783+4G>C

Gene: BAP1 (BRCA1 associated deubiquitinase 1; minus strand). Cytogenetic location: 3p21.1.
Variant type: single nucleotide variant.
Coding change: c.783+4G>C on transcript NM_004656.4 (MANE Select); 4 bases into the intron after coding-DNA position 783, G replaced by C.
Molecular consequence: intron variant.
Genome position (GRCh38, 1-based): chr3:52,406,249, C>G on the plus strand (G>C on the coding strand, the complement: BAP1 is on the minus strand). VCF-style: chr3-52406249-C-G. GRCh37 (hg19) VCF-style: chr3-52440265-C-G.
Other names: c.729+4G>C (NM_001410772.1).
Identifiers: ClinVar variation 3819314 (VCV003819314.1).